The following is an entry in ClinVar:

ClinVar aggregate classification (germline): Uncertain significance (1 of 4 stars; one submission).

Submission:

GeneDx
Classification: Uncertain significance. Last evaluated: 2025-03-20. Review status: criteria provided, single submitter. Criteria: GeneDx Variant Classification Process June 2021. Collection method: clinical testing. Allele origin: germline. Affected: yes.
Comment: Not observed at significant frequency in large population cohorts (gnomAD); In silico analysis supports that this missense variant has a deleterious effect on protein structure/function; Has not been previously published as pathogenic or benign to our knowledge; In silico analysis is inconclusive as to whether the variant alters gene splicing. In the absence of RNA/functional studies, the actual effect of this sequence change is unknown.

NM_006421.5(ARFGEF1):c.4196A>T (p.Asp1399Val)

Gene: ARFGEF1 (ARF guanine nucleotide exchange factor 1; minus strand). Cytogenetic location: 8q13.2.
Variant type: single nucleotide variant.
Coding change: c.4196A>T on transcript NM_006421.5 (MANE Select); coding-DNA position 4196, A replaced by T.
Protein change: p.Asp1399Val; replaces aspartic acid 1399 with valine.
Molecular consequence: missense variant. On other transcripts: 3 prime UTR variant (1), non-coding transcript variant (1).
Genome position (GRCh38, 1-based): chr8:67,224,915, T>A on the plus strand (A>T on the coding strand, the complement: ARFGEF1 is on the minus strand). VCF-style: chr8-67224915-T-A. GRCh37 (hg19) VCF-style: chr8-68137150-T-A.
Other names: c.4196A>T, p.Asp1399Val (NM_001413186.1, NM_001413187.1, NM_001413189.1 and 5 more transcripts); c.3596A>T, p.Asp1199Val (NM_001413188.1, NM_001413193.1, NM_001413197.1); c.4190A>T, p.Asp1397Val (NM_001413190.1); c.*93A>T (NM_001413195.1); c.2771A>T, p.Asp924Val (NM_001413196.1); short protein forms D1199V, D1397V, D1399V, D924V.
Identifiers: ClinVar variation 4086417 (VCV004086417.1).